The following is an entry in ClinVar:

ClinVar aggregate classification (germline): Likely benign (1 of 4 stars; one submission).

Conditions:
Catecholaminergic polymorphic ventricular tachycardia (CVPT). Also called: Catecholamine-induced polymorphic ventricular tachycardia. Identifiers: Orphanet 3286, MedGen C5574922, MONDO:0017990.

Submission:

All of Us Research Program, National Institutes of Health
Classification: Likely benign for Catecholaminergic polymorphic ventricular tachycardia. Last evaluated: 2023-10-06. Review status: criteria provided, single submitter. Criteria: ACMG Guidelines, 2015. Collection method: clinical testing. Allele origin: germline. Inheritance: Autosomal dominant inheritance. Observed: 1 variant allele, 1 heterozygote.
Comment: This study involves interpretation of variants in research participants for the purpose of population health screening. Participant phenotype was not available at the time of variant classification. Additional details can be found in publication PMID: 35346344, PMCID: PMC8962531

NM_001035.3(RYR2):c.11310C>T (p.Asn3770=)

Gene: RYR2 (ryanodine receptor 2; plus strand). Cytogenetic location: 1q43.
Variant type: single nucleotide variant.
Coding change: c.11310C>T on transcript NM_001035.3 (MANE Select); coding-DNA position 11310, C replaced by T.
Protein change: p.Asn3770=; no amino-acid change (asparagine 3770 retained).
Molecular consequence: synonymous variant.
Genome position (GRCh38, 1-based): chr1:237,757,761, C>T. VCF-style: chr1-237757761-C-T. GRCh37 (hg19) VCF-style: chr1-237921061-C-T.
Identifiers: ClinVar variation 3073762 (VCV003073762.1), dbSNP rs2527416754, ClinGen allele CA423822023.